The following is an entry in ClinVar:

NM_007327.4(GRIN1):c.570+20G>A

Gene: GRIN1 (glutamate ionotropic receptor NMDA type subunit 1; plus strand). Cytogenetic location: 9q34.3.
Variant type: single nucleotide variant.
Coding change: c.570+20G>A on transcript NM_007327.4 (MANE Select); 20 bases into the intron after coding-DNA position 570, G replaced by A.
Molecular consequence: intron variant.
Genome position (GRCh38, 1-based): chr9:137,145,922, G>A. VCF-style: chr9-137145922-G-A. GRCh37 (hg19) VCF-style: chr9-140040374-G-A.
Other names: c.570+20G>A (NM_001185090.2, NM_001185091.2, NM_021569.4 and 1 more transcripts).
Identifiers: ClinVar variation 391405 (VCV000391405.9), dbSNP rs760668899, ClinGen allele CA5360683.

ClinVar aggregate classification (germline): Likely benign. Review status: criteria provided, multiple submitters, no conflicts (2 of 4 stars). 2 submissions from 2 submitters: Likely benign (2). Last evaluated 2026-01-22.

Conditions:
Neurodevelopmental disorder with or without hyperkinetic movements and seizures, autosomal dominant. Also called: Intellectual disability, autosomal dominant 8. Identifiers: MedGen C3280282, MONDO:0013655, OMIM 614254.

Allele frequency attached by ClinVar (database versions not stated): ExAC below 0.00001; gnomAD exomes below 0.00001.
gnomAD v4.1: 4 of 1,570,890 alleles (0.00025%); highest among the groups gnomAD compares: Admixed American, 0.0036%; no homozygotes.

Submissions (2):

Labcorp Genetics (formerly Invitae), Labcorp
Classification: Likely benign for Neurodevelopmental disorder with or without hyperkinetic movements and seizures, autosomal dominant. Last evaluated: 2026-01-22. Review status: criteria provided, single submitter. Criteria: Invitae Variant Classification Sherloc (09022015). Collection method: clinical testing. Allele origin: germline.

GeneDx
Classification: Likely benign. Last evaluated: 2016-12-08. Review status: criteria provided, single submitter. Criteria: GeneDx Variant Classification (06012015). Collection method: clinical testing. Allele origin: germline. Affected: yes.
Comment: This variant is considered likely benign or benign based on one or more of the following criteria: it is a conservative change, it occurs at a poorly conserved position in the protein, it is predicted to be benign by multiple in silico algorithms, and/or has population frequency not consistent with disease.